The following is an entry in ClinVar:

ClinVar aggregate classification (germline): Uncertain significance (1 of 4 stars; one submission).

Conditions:
Cardiovascular phenotype. Identifiers: MedGen CN230736.

Submission:

Ambry Genetics
Classification: Uncertain significance for Cardiovascular phenotype. Last evaluated: 2025-10-23. Review status: criteria provided, single submitter. Criteria: Ambry Variant Classification Scheme 2023. Collection method: clinical testing. Allele origin: germline.
Comment: The p.L1609M variant (also known as c.4825T>A), located in coding exon 26 of the APOB gene, results from a T to A substitution at nucleotide position 4825. The leucine at codon 1609 is replaced by methionine, an amino acid with highly similar properties. This amino acid position is conserved. In addition, this alteration is predicted to be tolerated by in silico analysis. Based on the available evidence, the clinical significance of this variant remains unclear.

NM_000384.3(APOB):c.4825T>A (p.Leu1609Met)

Gene: APOB (apolipoprotein B; minus strand). Cytogenetic location: 2p24.1.
Variant type: single nucleotide variant.
Coding change: c.4825T>A on transcript NM_000384.3 (MANE Select); coding-DNA position 4825, T replaced by A.
Protein change: p.Leu1609Met; replaces leucine 1609 with methionine.
Molecular consequence: missense variant.
Genome position (GRCh38, 1-based): chr2:21,012,043, A>T on the plus strand (T>A on the coding strand, the complement: APOB is on the minus strand). VCF-style: chr2-21012043-A-T. GRCh37 (hg19) VCF-style: chr2-21234915-A-T.
Other names: short protein forms L1609M.
Identifiers: ClinVar variation 4613665 (VCV004613665.1).
Genomic context (GRCh38, chr2:21,012,043, plus strand): 5'-CAGCATTTAACTCAAGACCATGGGAATTTAGTGATCCAGAAAGCAGGCTGAAGAACCTCA[A>T]TGACTCGTAATCAGCCTGATATTCAGAACGCAGCAGTGCATTTTGCTTAGAGAAGGTCAT-3'
Protein context (NP_000375.3, residues 1599-1619): RSEYQADYES[Leu1609Met]RFFSLLSGSL